The following is an entry in ClinVar:

NM_001134363.3(RBM20):c.2550+225G>A

Gene: RBM20 (RNA binding motif protein 20; plus strand). Cytogenetic location: 10q25.2.
Variant type: single nucleotide variant.
Coding change: c.2550+225G>A on transcript NM_001134363.3 (MANE Select); 225 bases into the intron after coding-DNA position 2550, G replaced by A.
Molecular consequence: intron variant.
Genome position (GRCh38, 1-based): chr10:110,813,172, G>A. VCF-style: chr10-110813172-G-A. GRCh37 (hg19) VCF-style: chr10-112572930-G-A.
Identifiers: ClinVar variation 671185 (VCV000671185.1), dbSNP rs1417634, ClinGen allele CA13203592.

ClinVar aggregate classification (germline): Benign (1 of 4 stars; one submission).

Allele frequency attached by ClinVar (database versions not stated): gnomAD 0.55176 and 0.55606; TOPMed 0.55804; 1000 Genomes Project 30x 0.60306; 1000 Genomes Project 0.60923.
gnomAD v4.1: 84,514 of 151,976 alleles (56%); highest among the groups gnomAD compares: South Asian, 65%; 23,644 homozygotes.

Submission:

GeneDx
Classification: Benign. Last evaluated: 2018-06-15. Review status: criteria provided, single submitter. Criteria: GeneDx Variant Classification (06012015). Collection method: clinical testing. Allele origin: germline. Affected: yes.
Comment: This variant is considered likely benign or benign based on one or more of the following criteria: it is a conservative change, it occurs at a poorly conserved position in the protein, it is predicted to be benign by multiple in silico algorithms, and/or has population frequency not consistent with disease.